The following is an entry in ClinVar:

ClinVar aggregate classification (germline): Uncertain significance. Review status: criteria provided, multiple submitters, no conflicts (2 of 4 stars). 2 submissions from 2 submitters: Uncertain significance (2). Last evaluated 2022-09-10.

Conditions:
Cardiomyopathy (CMYO). Also called: Cardiomyopathies. Identifiers: Orphanet 167848, MedGen C0878544, MONDO:0004994, HP:0001638. Inheritance: Various modes of inheritance.
Arrhythmogenic right ventricular dysplasia 11. Also called: ARRHYTHMOGENIC RIGHT VENTRICULAR DYSPLASIA, FAMILIAL, 11; Arrhythmogenic Right Ventricular Dysplasia/Cardiomyopathy11; Arrhythmogenic right ventricular dysplasia 11 with mild palmoplantar keratoderma and woolly hair. Identifiers: MedGen C1864850, MONDO:0012506, OMIM 610476.

gnomAD v4.1: 2 of 1,612,664 alleles (0.00012%); highest among the groups gnomAD compares: Non-Finnish European, 0.00017%; no homozygotes.

Submissions (2):

Labcorp Genetics (formerly Invitae), Labcorp
Classification: Uncertain significance for Arrhythmogenic right ventricular dysplasia 11. Last evaluated: 2022-09-10. Review status: criteria provided, single submitter. Criteria: Invitae Variant Classification Sherloc (09022015). Collection method: clinical testing. Allele origin: germline.
Comment: Algorithms developed to predict the effect of missense changes on protein structure and function (SIFT, PolyPhen-2, Align-GVGD) all suggest that this variant is likely to be disruptive. ClinVar contains an entry for this variant (Variation ID: 924769). This variant has not been reported in the literature in individuals affected with DSC2-related conditions. This variant is not present in population databases (gnomAD no frequency). This sequence change replaces valine, which is neutral and non-polar, with alanine, which is neutral and non-polar, at codon 52 of the DSC2 protein (p.Val52Ala). In summary, the available evidence is currently insufficient to determine the role of this variant in disease. Therefore, it has been classified as a Variant of Uncertain Significance.

Color Diagnostics, LLC DBA Color Health
Classification: Uncertain significance for Cardiomyopathy. Last evaluated: 2020-01-13. Review status: criteria provided, single submitter. Criteria: ACMG Guidelines, 2015. Collection method: clinical testing. Allele origin: germline.
Comment: This missense variant replaces valine with alanine at codon 52 of the DSC2 protein. Computational prediction suggests that this variant may have deleterious impact on protein structure and function (internally defined REVEL score threshold >= 0.7, PMID: 27666373). Splice site prediction tools suggest that this variant may not impact RNA splicing. To our knowledge, functional studies have not been performed for this variant. This variant has not been reported in individuals affected with cardiovascular disorders in the literature. This variant has not been identified in the general population by the Genome Aggregation Database (gnomAD). The available evidence is insufficient to determine the role of this variant in disease conclusively. Therefore, this variant is classified as a Variant of Uncertain Significance.

NM_024422.6(DSC2):c.155T>C (p.Val52Ala)

Gene: DSC2 (desmocollin 2; minus strand). Cytogenetic location: 18q12.1.
Variant type: single nucleotide variant.
Coding change: c.155T>C on transcript NM_024422.6 (MANE Select); coding-DNA position 155, T replaced by C.
Protein change: p.Val52Ala; replaces valine 52 with alanine.
Molecular consequence: missense variant.
Genome position (GRCh38, 1-based): chr18:31,092,300, A>G on the plus strand (T>C on the coding strand, the complement: DSC2 is on the minus strand). VCF-style: chr18-31092300-A-G. GRCh37 (hg19) VCF-style: chr18-28672263-A-G.
Other names: c.155T>C, p.Val52Ala (NM_004949.5); short protein forms V52A.
Identifiers: ClinVar variation 924769 (VCV000924769.7), dbSNP rs1987629779, ClinGen allele CA402114995.
Genomic context (GRCh38, chr18:31,092,300, plus strand): 5'-TGGAAGTCAGGATCACTTGAATGAATTAGATTTGCAGCTGTAAAGCACTCTTTCAGGTTA[A>G]CTGTAGAAAATATGCACAGCAATCATTTTTAAAGTAAAACATAGGATATAGTTTTAACAG-3'
Protein context (NP_077740.1, residues 42-62): KLDAEKLVGR[Val52Ala]NLKECFTAAN